The following is an entry in ClinVar:

NM_002576.5(PAK1):c.1219G>C (p.Asp407His)

Gene: PAK1 (p21 (RAC1) activated kinase 1; minus strand). Cytogenetic location: 11q13.5.
Variant type: single nucleotide variant.
Coding change: c.1219G>C on transcript NM_002576.5 (MANE Select); coding-DNA position 1219, G replaced by C.
Protein change: p.Asp407His; replaces aspartic acid 407 with histidine.
Molecular consequence: missense variant. On other transcripts: intron variant (2), non-coding transcript variant (2).
Genome position (GRCh38, 1-based): chr11:77,336,280, C>G on the plus strand (G>C on the coding strand, the complement: PAK1 is on the minus strand). VCF-style: chr11-77336280-C-G. GRCh37 (hg19) VCF-style: chr11-77047325-C-G.
Other names: c.1117-21G>C (NM_001376290.1, NM_001376291.1); c.1219G>C, p.Asp407His (NM_001128620.2, NM_001376268.1, NM_001376269.1 and 21 more transcripts); c.1240G>C, p.Asp414His (NM_001376272.1); c.1210G>C, p.Asp404His (NM_001376294.1); c.1042G>C, p.Asp348His (NM_001376295.1); c.970G>C, p.Asp324His (NM_001376301.1); c.925G>C, p.Asp309His (NM_001376302.1, NM_001376304.1, NM_001376305.1); c.931G>C, p.Asp311His (NM_001376303.1); short protein forms D309H, D311H, D324H, D348H, D404H, D407H, D414H.
Identifiers: ClinVar variation 4532619 (VCV004532619.2).
Genomic context (GRCh38, chr11:77,336,280, plus strand): 5'-TTCCTACCATGGTGCTCCGTTTGCTCTGCTCTGGGGTTATCTGTGCACAGAATCCAAAGT[C>G]AGCTAGAAAAGAAAAATAAGAGAAAGAACATACATTTAGGATATACACTCACTTCAGTAA-3'
Protein context (NP_002567.3, residues 397-417): LGMDGSVKLT[Asp407His]FGFCAQITPE

ClinVar aggregate classification (germline): Uncertain significance (1 of 4 stars; one submission).

Submission:

GeneDx
Classification: Uncertain significance. Last evaluated: 2026-02-03. Review status: criteria provided, single submitter. Criteria: GeneDx Variant Classification Process June 2021. Collection method: clinical testing. Allele origin: germline.
Comment: Not observed at significant frequency in large population cohorts (gnomAD); In silico analysis supports that this missense variant has a deleterious effect on protein structure/function; Has not been previously published as pathogenic or benign to our knowledge